The following is an entry in ClinVar:

NM_006231.4(POLE):c.2820G>A (p.Met940Ile)

Gene: POLE (DNA polymerase epsilon, catalytic subunit; minus strand). Cytogenetic location: 12q24.33.
Variant type: single nucleotide variant.
Coding change: c.2820G>A on transcript NM_006231.4 (MANE Select); coding-DNA position 2820, G replaced by A.
Protein change: p.Met940Ile; replaces methionine 940 with isoleucine.
Molecular consequence: missense variant.
Genome position (GRCh38, 1-based): chr12:132,661,571, C>T on the plus strand (G>A on the coding strand, the complement: POLE is on the minus strand). VCF-style: chr12-132661571-C-T. GRCh37 (hg19) VCF-style: chr12-133238157-C-T.
Other names: short protein forms M940I.
Identifiers: ClinVar variation 652358 (VCV000652358.12), dbSNP rs778869932, ClinGen allele CA6893440.

ClinVar aggregate classification (germline): Uncertain significance. Review status: criteria provided, multiple submitters, no conflicts (2 of 4 stars). 2 submissions from 2 submitters: Uncertain significance (2). Last evaluated 2025-12-20.

Conditions:
Hereditary cancer-predisposing syndrome. Also called: Neoplastic Syndromes, Hereditary; Hereditary neoplastic syndrome; Tumor predisposition; Hereditary Cancer Syndrome. Identifiers: Orphanet 140162, MedGen C0027672, MeSH D009386, MONDO:0015356.

Allele frequency attached by ClinVar (database versions not stated): gnomAD exomes 0.00001 and 0.00002; ExAC 0.00003.

Submissions (2):

Ambry Genetics
Classification: Uncertain significance for Hereditary cancer-predisposing syndrome. Last evaluated: 2025-12-20. Review status: criteria provided, single submitter. Criteria: Ambry Variant Classification Scheme 2023. Collection method: clinical testing. Allele origin: germline.
Comment: The p.M940I variant (also known as c.2820G>A), located in coding exon 24 of the POLE gene, results from a G to A substitution at nucleotide position 2820. The methionine at codon 940 is replaced by isoleucine, an amino acid with highly similar properties. This amino acid position is conserved. In addition, the in silico prediction for this alteration is inconclusive. Since supporting evidence is limited at this time, the clinical significance of this alteration remains unclear.

Labcorp Genetics (formerly Invitae), Labcorp
Classification: Uncertain significance. Last evaluated: 2025-09-08. Review status: criteria provided, single submitter. Criteria: Invitae Variant Classification Sherloc (09022015). Collection method: clinical testing. Allele origin: germline.
Comment: This sequence change replaces methionine, which is neutral and non-polar, with isoleucine, which is neutral and non-polar, at codon 940 of the POLE protein (p.Met940Ile). This variant is present in population databases (rs778869932, gnomAD 0.01%). This variant has not been reported in the literature in individuals affected with POLE-related conditions. ClinVar contains an entry for this variant (Variation ID: 652358). Invitae Evidence Modeling of protein sequence and biophysical properties (such as structural, functional, and spatial information, amino acid conservation, physicochemical variation, residue mobility, and thermodynamic stability) indicates that this missense variant is not expected to disrupt POLE protein function with a negative predictive value of 80%. In summary, the available evidence is currently insufficient to determine the role of this variant in disease. Therefore, it has been classified as a Variant of Uncertain Significance.